The following is an entry in ClinVar:

NM_000098.3(CPT2):c.1874T>C (p.Val625Ala)

Gene: CPT2 (carnitine palmitoyltransferase 2; plus strand). Cytogenetic location: 1p32.3.
Variant type: single nucleotide variant.
Coding change: c.1874T>C on transcript NM_000098.3 (MANE Select); coding-DNA position 1874, T replaced by C.
Protein change: p.Val625Ala; replaces valine 625 with alanine.
Molecular consequence: missense variant.
Genome position (GRCh38, 1-based): chr1:53,213,492, T>C. VCF-style: chr1-53213492-T-C. GRCh37 (hg19) VCF-style: chr1-53679164-T-C.
Other names: c.1805T>C, p.Val602Ala (NM_001330589.2); short protein forms V625A, V602A.
Identifiers: ClinVar variation 2065571 (VCV002065571.4), dbSNP rs2525596814, ClinGen allele CA340397838.

ClinVar aggregate classification (germline): Uncertain significance (1 of 4 stars; one submission).

Conditions:
Carnitine palmitoyltransferase II deficiency. Also called: Carnitine Palmitoyltransferase 2 Deficiency. Identifiers: Orphanet 157, MedGen C0342790, MONDO:0015515.

Submission:

Labcorp Genetics (formerly Invitae), Labcorp
Classification: Uncertain significance for Carnitine palmitoyltransferase II deficiency. Last evaluated: 2021-12-29. Review status: criteria provided, single submitter. Criteria: Invitae Variant Classification Sherloc (09022015). Collection method: clinical testing. Allele origin: germline.
Comment: This variant is not present in population databases (gnomAD no frequency). In summary, the available evidence is currently insufficient to determine the role of this variant in disease. Therefore, it has been classified as a Variant of Uncertain Significance. Advanced modeling of protein sequence and biophysical properties (such as structural, functional, and spatial information, amino acid conservation, physicochemical variation, residue mobility, and thermodynamic stability) performed at Invitae indicates that this missense variant is expected to disrupt CPT2 protein function. This variant has not been reported in the literature in individuals affected with CPT2-related conditions. This sequence change replaces valine, which is neutral and non-polar, with alanine, which is neutral and non-polar, at codon 625 of the CPT2 protein (p.Val625Ala).